The following is an entry in ClinVar:

NM_003072.5(SMARCA4):c.2171T>G (p.Leu724Arg)

Gene: SMARCA4 (SWI/SNF related BAF chromatin remodeling complex subunit ATPase 4; plus strand). Cytogenetic location: 19p13.2.
Variant type: single nucleotide variant.
Coding change: c.2171T>G on transcript NM_003072.5 (MANE Select); coding-DNA position 2171, T replaced by G.
Protein change: p.Leu724Arg; replaces leucine 724 with arginine.
Molecular consequence: missense variant. On other transcripts: non-coding transcript variant (1).
Genome position (GRCh38, 1-based): chr19:11,010,428, T>G. VCF-style: chr19-11010428-T-G. GRCh37 (hg19) VCF-style: chr19-11121104-T-G.
Other names: c.2171T>G, p.Leu724Arg (NM_001128844.3, NM_001128845.2, NM_001128846.2 and 4 more transcripts); short protein forms L724R.
Identifiers: ClinVar variation 820833 (VCV000820833.8), dbSNP rs1414018244, ClinGen allele CA404052757.
Genomic context (GRCh38, chr19:11,010,428, plus strand): 5'-ATCTCACTCCCAGGAATGCCAAGCAAGATGTCGATGATGAATATGGCGTGTCCCAGGCCC[T>G]TGCACGTGGCCTGCAGTCCTACTATGCCGTGGCCCATGCTGTCACTGAGAGAGTGGACAA-3'
Protein context (NP_003063.2, residues 714-734): VDDEYGVSQA[Leu724Arg]ARGLQSYYAV

ClinVar aggregate classification (germline): Uncertain significance. Review status: criteria provided, multiple submitters, no conflicts (2 of 4 stars). 2 submissions from 2 submitters: Uncertain significance (2). Last evaluated 2025-07-11.

Conditions:
Hereditary cancer-predisposing syndrome. Also called: Neoplastic Syndromes, Hereditary; Tumor predisposition; Hereditary Cancer Syndrome; Hereditary neoplastic syndrome. Identifiers: Orphanet 140162, MedGen C0027672, MeSH D009386, MONDO:0015356.
Rhabdoid tumor predisposition syndrome 2 (RTPS2). Identifiers: Orphanet 231108, Orphanet 69077, MedGen C2750074, MONDO:0013224, OMIM 613325.

Allele frequency attached by ClinVar (database versions not stated): gnomAD 0.00001; TOPMed 0.00001.
gnomAD v4.1: 1 of 1,613,942 alleles (0.000062%); highest among the groups gnomAD compares: African/African-American, 0.0013%; no homozygotes.

Submissions (2):

Ambry Genetics
Classification: Uncertain significance for Hereditary cancer-predisposing syndrome. Last evaluated: 2025-07-11. Review status: criteria provided, single submitter. Criteria: Ambry Variant Classification Scheme 2023. Collection method: clinical testing. Allele origin: germline.
Comment: The p.L724R variant (also known as c.2171T>G), located in coding exon 14 of the SMARCA4 gene, results from a T to G substitution at nucleotide position 2171. The leucine at codon 724 is replaced by arginine, an amino acid with dissimilar properties. This amino acid position is not well conserved in available vertebrate species. In addition, the in silico prediction for this alteration is inconclusive. Based on the available evidence, the clinical significance of this variant remains unclear.

Labcorp Genetics (formerly Invitae), Labcorp
Classification: Uncertain significance for Rhabdoid tumor predisposition syndrome 2. Last evaluated: 2023-11-15. Review status: criteria provided, single submitter. Criteria: Invitae Variant Classification Sherloc (09022015). Collection method: clinical testing. Allele origin: germline.
Comment: This sequence change replaces leucine, which is neutral and non-polar, with arginine, which is basic and polar, at codon 724 of the SMARCA4 protein (p.Leu724Arg). This variant is not present in population databases (gnomAD no frequency). This variant has not been reported in the literature in individuals affected with SMARCA4-related conditions. ClinVar contains an entry for this variant (Variation ID: 820833). Advanced modeling of protein sequence and biophysical properties (such as structural, functional, and spatial information, amino acid conservation, physicochemical variation, residue mobility, and thermodynamic stability) performed at Invitae indicates that this missense variant is not expected to disrupt SMARCA4 protein function with a negative predictive value of 95%. In summary, the available evidence is currently insufficient to determine the role of this variant in disease. Therefore, it has been classified as a Variant of Uncertain Significance.